The following is an entry in ClinVar:

NM_182961.4(SYNE1):c.15898A>T (p.Met5300Leu)

Gene: SYNE1 (spectrin repeat containing nuclear envelope protein 1; minus strand). Cytogenetic location: 6q25.2.
Variant type: single nucleotide variant.
Coding change: c.15898A>T on transcript NM_182961.4 (MANE Select); coding-DNA position 15898, A replaced by T.
Protein change: p.Met5300Leu; replaces methionine 5300 with leucine.
Molecular consequence: missense variant.
Genome position (GRCh38, 1-based): chr6:152,323,497, T>A on the plus strand (A>T on the coding strand, the complement: SYNE1 is on the minus strand). VCF-style: chr6-152323497-T-A. GRCh37 (hg19) VCF-style: chr6-152644632-T-A.
Other names: c.15685A>T, p.Met5229Leu (NM_033071.5); short protein forms M5229L, M5300L.
Identifiers: ClinVar variation 805558 (VCV000805558.10), dbSNP rs1221150819, ClinGen allele CA366119872.
Genomic context (GRCh38, chr6:152,323,497, plus strand): 5'-CAAACAAACAAACAAAAGAATGAAAGTAGGTGCTTAATTACTTCAGGCACCGATCTTGCA[T>A]GGCGGTGATTTCCTGCATGAGCGGAGGCTCTTCCCCAGGGGTTGGGGCGGCTCCATCCTG-3'
Protein context (NP_892006.3, residues 5290-5310): EPPLMQEITA[Met5300Leu]QDRCLNMQEK

ClinVar aggregate classification (germline): Uncertain significance. Review status: criteria provided, multiple submitters, no conflicts (2 of 4 stars). 2 submissions from 2 submitters: Uncertain significance (2). Last evaluated 2019-05-19.

Conditions:
Emery-Dreifuss muscular dystrophy 4, autosomal dominant (EDMD4). Also called: EMERY-DREIFUSS MUSCULAR DYSTROPHY 4 WITH VARIABLE FEATURES. Identifiers: Orphanet 261, MedGen C2751807, MONDO:0013071, OMIM 612998.
Autosomal recessive ataxia, Beauce type. Also called: Spinocerebellar ataxia, autosomal recessive 8; ATAXIA, RECESSIVE, OF BEAUCE; SYNE1 Deficiency; SYNE1-Related Autosomal Recessive Cerebellar Ataxia. Identifiers: Orphanet 88644, MedGen C1853116, MONDO:0012549, OMIM 610743.

gnomAD v4.1: 2 of 1,614,042 alleles (0.00012%); highest among the groups gnomAD compares: Non-Finnish European, 0.00017%; no homozygotes.

Submissions (2):

Labcorp Genetics (formerly Invitae), Labcorp
Classification: Uncertain significance for Emery-Dreifuss muscular dystrophy 4, autosomal dominant; Autosomal recessive ataxia, Beauce type. Last evaluated: 2019-05-19. Review status: criteria provided, single submitter. Criteria: Invitae Variant Classification Sherloc (09022015). Collection method: clinical testing. Allele origin: germline.
Comment: This sequence change replaces methionine with leucine at codon 5229 of the SYNE1 protein (p.Met5229Leu). The methionine residue is highly conserved and there is a small physicochemical difference between methionine and leucine. This variant is not present in population databases (ExAC no frequency). This variant has not been reported in the literature in individuals with SYNE1-related conditions. Algorithms developed to predict the effect of missense changes on protein structure and function output the following: SIFT: "Tolerated"; PolyPhen-2: "Benign"; Align-GVGD: "Class C0". The leucine amino acid residue is found in multiple mammalian species, suggesting that this missense change does not adversely affect protein function. These predictions have not been confirmed by published functional studies and their clinical significance is uncertain. In summary, the available evidence is currently insufficient to determine the role of this variant in disease. Therefore, it has been classified as a Variant of Uncertain Significance.

Athena Diagnostics
Classification: Uncertain significance. Last evaluated: 2018-11-23. Review status: criteria provided, single submitter. Criteria: Athena Diagnostics Criteria. Collection method: clinical testing. Allele origin: germline.